The following is an entry in ClinVar:

NM_001715.3(BLK):c.1313-8del

Gene: BLK (BLK proto-oncogene, Src family tyrosine kinase). Cytogenetic location: 8p23.1.
Variant type: Deletion.
Coding change: c.1313-8del on transcript NM_001715.3 (MANE Select); 8 bases into the intron before coding-DNA position 1313, one base deleted.
Molecular consequence: intron variant.
Genome position: GRCh38 VCF-style: chr8-11563894-CT-C. GRCh37 (hg19) VCF-style: chr8-11421403-CT-C.
Other names: c.1100-8del (NM_001330465.2).
Identifiers: ClinVar variation 3054708 (VCV003054708.2), dbSNP rs1190518107, ClinGen allele CA579798406.

ClinVar aggregate classification (germline): Likely benign (0 of 4 stars; one submission).

Conditions:
BLK-related disorder. Also called: BLK-related condition.

Allele frequency attached by ClinVar (database versions not stated): gnomAD exomes below 0.00001; gnomAD 0.00001; TOPMed 0.00001.

Submission:

PreventionGenetics, part of Exact Sciences
Classification: Likely benign for BLK-related condition. Last evaluated: 2021-03-05. Review status: no assertion criteria provided. Collection method: clinical testing. Allele origin: germline.
Comment: This variant is classified as likely benign based on ACMG/AMP sequence variant interpretation guidelines (Richards et al. 2015 PMID: 25741868, with internal and published modifications).